The following is an entry in ClinVar:

ClinVar aggregate classification (germline): Uncertain significance (0 of 4 stars; one submission).

Conditions:
GALNTL5-related disorder. Also called: GALNTL5-related condition.

Submission:

PreventionGenetics, part of Exact Sciences
Classification: Uncertain significance for GALNTL5-related condition. Last evaluated: 2024-09-07. Review status: no assertion criteria provided. Collection method: clinical testing. Allele origin: germline.
Comment: The GALNTL5 c.593T>C variant is predicted to result in the amino acid substitution p.Ile198Thr. To our knowledge, this variant has not been reported in the literature. This variant is reported in 0.010% of alleles in individuals of Latino descent in gnomAD. At this time, the clinical significance of this variant is uncertain due to the absence of conclusive functional and genetic evidence.

NM_145292.4(GALNTL5):c.593T>C (p.Ile198Thr)

Gene: GALNTL5 (polypeptide N-acetylgalactosaminyltransferase like 5; plus strand). Cytogenetic location: 7q36.1.
Variant type: single nucleotide variant.
Coding change: c.593T>C on transcript NM_145292.4 (MANE Select); coding-DNA position 593, T replaced by C.
Protein change: p.Ile198Thr; replaces isoleucine 198 with threonine.
Molecular consequence: missense variant. On other transcripts: non-coding transcript variant (1).
Genome position (GRCh38, 1-based): chr7:151,987,216, T>C. VCF-style: chr7-151987216-T-C. GRCh37 (hg19) VCF-style: chr7-151684301-T-C.
Other names: short protein forms I198T.
Identifiers: ClinVar variation 3349205 (VCV003349205.1).